The following is an entry in ClinVar:

ClinVar aggregate classification (germline): Uncertain significance. Review status: criteria provided, multiple submitters, no conflicts (2 of 4 stars). 3 submissions from 3 submitters: Uncertain significance (3). Last evaluated 2026-02-03.

Conditions:
PDE6B-related disorder. Also called: PDE6B-related disease; PDE6B-related condition; PDE6B-related disorders.

Allele frequency attached by ClinVar (database versions not stated): gnomAD exomes below 0.00001; gnomAD 0.00001; TOPMed 0.00001.
gnomAD v4.1: 2 of 1,613,826 alleles (0.00012%); highest among the groups gnomAD compares: Non-Finnish European, 0.00017%; no homozygotes.

Submissions (3):

PreventionGenetics, part of Exact Sciences
Classification: Uncertain significance for PDE6B-related condition. Last evaluated: 2026-02-03. Review status: criteria provided, single submitter. Criteria: ACMG Guidelines, 2015. Collection method: clinical testing. Allele origin: germline.
Comment: The PDE6B c.46C>G variant is predicted to result in the amino acid substitution p.Pro16Ala. To our knowledge, this variant has not been reported in the literature or in a large population database (gnomAD), indicating this variant is rare. At this time, the clinical significance of this variant is uncertain due to the absence of conclusive functional and genetic evidence.

Labcorp Genetics (formerly Invitae), Labcorp
Classification: Uncertain significance. Last evaluated: 2022-01-15. Review status: criteria provided, single submitter. Criteria: Invitae Variant Classification Sherloc (09022015). Collection method: clinical testing. Allele origin: germline.
Comment: This sequence change replaces proline, which is neutral and non-polar, with alanine, which is neutral and non-polar, at codon 16 of the PDE6B protein (p.Pro16Ala). This variant is not present in population databases (gnomAD no frequency). This variant has not been reported in the literature in individuals affected with PDE6B-related conditions. Algorithms developed to predict the effect of missense changes on protein structure and function are either unavailable or do not agree on the potential impact of this missense change (SIFT: "Deleterious"; PolyPhen-2: "Possibly Damaging"; Align-GVGD: "Class C0"). In summary, the available evidence is currently insufficient to determine the role of this variant in disease. Therefore, it has been classified as a Variant of Uncertain Significance.

Blueprint Genetics
Classification: Uncertain significance. Last evaluated: 2017-08-28. Review status: criteria provided, single submitter. Criteria: ACMG Guidelines, 2015. Collection method: clinical testing. Allele origin: germline.

NM_000283.4(PDE6B):c.46C>G (p.Pro16Ala)

Gene: PDE6B (phosphodiesterase 6B; plus strand). Cytogenetic location: 4p16.3.
Variant type: single nucleotide variant.
Coding change: c.46C>G on transcript NM_000283.4 (MANE Select); coding-DNA position 46, C replaced by G.
Protein change: p.Pro16Ala; replaces proline 16 with alanine.
Molecular consequence: missense variant.
Genome position (GRCh38, 1-based): chr4:625,672, C>G. VCF-style: chr4-625672-C-G. GRCh37 (hg19) VCF-style: chr4-619461-C-G.
Other names: c.46C>G, p.Pro16Ala (NM_001145291.2); c.46C>G (NM_000283.3); short protein forms P16A.
Identifiers: ClinVar variation 1515857 (VCV001515857.8), dbSNP rs1360629462, ClinGen allele CA355905968.